The following is an entry in ClinVar:

ClinVar aggregate classification (germline): Conflicting classifications of pathogenicity. Review status: criteria provided, conflicting classifications (1 of 4 stars). 4 submissions from 4 submitters: Likely pathogenic (2); Uncertain significance (1). 1 of the submissions does not count toward it. Last evaluated 2025-11-24.

Conditions:
KMT2D-related disorder. Also called: KMT2D-Related Disorders.
Kabuki syndrome. Also called: Kabuki make-up syndrome; NIIKAWA-KUROKI SYNDROME. Identifiers: Orphanet 2322, MedGen C0796004, MONDO:0016512.
Kabuki syndrome 1 (KABUK1). Also called: KMT2D-Related Kabuki Syndrome. Identifiers: Orphanet 2322, MedGen CN030661, MONDO:0007843, OMIM 147920.

Submissions (4):

Labcorp Genetics (formerly Invitae), Labcorp
Classification: Likely pathogenic for Kabuki syndrome. Last evaluated: 2025-11-24. Review status: criteria provided, single submitter. Criteria: Invitae Variant Classification Sherloc (09022015). Collection method: clinical testing. Allele origin: germline.
Comment: This sequence change replaces cysteine, which is neutral and slightly polar, with tyrosine, which is neutral and polar, at codon 1474 of the KMT2D protein (p.Cys1474Tyr). This variant is not present in population databases (gnomAD no frequency). This missense change has been observed in individual(s) with KMT2D-related conditions (PMID: 30459467; internal data). In at least one individual the variant was observed to be de novo. ClinVar contains an entry for this variant (Variation ID: 158770). An algorithm developed to predict the effect of missense changes on protein structure and function (PolyPhen-2) suggests that this variant is likely to be disruptive. In summary, the currently available evidence indicates that the variant is pathogenic, but additional data are needed to prove that conclusively. Therefore, this variant has been classified as Likely Pathogenic.

Eurofins Ntd Llc (ga)
Classification: Uncertain significance. Last evaluated: 2016-03-24. Review status: criteria provided, single submitter. Criteria: EGL Classification Definitions 2015. Collection method: clinical testing. Allele origin: germline. Observed: 1 variant allele, 1 heterozygote.

Genetic Services Laboratory, University of Chicago
Classification: Likely pathogenic for Kabuki syndrome 1. Last evaluated: 2013-02-08. Review status: criteria provided, single submitter. Criteria: ACMG Guidelines, 2007. Collection method: clinical testing. Allele origin: germline. Inheritance: Autosomal dominant inheritance. Affected: yes.

PreventionGenetics, part of Exact Sciences
Classification: Likely pathogenic for KMT2D-related condition. Last evaluated: 2024-09-25. Review status: no assertion criteria provided. Collection method: clinical testing. Allele origin: germline. Not counted in ClinVar's aggregate classification.
Comment: The KMT2D c.4421G>A variant is predicted to result in the amino acid substitution p.Cys1474Tyr. This variant has been reported in at least one individual with Kabuki syndrome (Faundes et al. 2019. PubMed ID: 30459467). This variant has not been reported in a large population database, indicating this variant is rare. This variant is interpreted as likely pathogenic.

Literature cited by the submitters: PubMed 30459467 (cited by Labcorp Genetics (formerly Invitae), Labcorp).

NM_003482.4(KMT2D):c.4421G>A (p.Cys1474Tyr)

Gene: KMT2D (lysine methyltransferase 2D; minus strand). Cytogenetic location: 12q13.12.
Variant type: single nucleotide variant.
Coding change: c.4421G>A on transcript NM_003482.4 (MANE Select); coding-DNA position 4421, G replaced by A.
Protein change: p.Cys1474Tyr; replaces cysteine 1474 with tyrosine.
Molecular consequence: missense variant.
Genome position (GRCh38, 1-based): chr12:49,046,422, C>T on the plus strand (G>A on the coding strand, the complement: KMT2D is on the minus strand). VCF-style: chr12-49046422-C-T. GRCh37 (hg19) VCF-style: chr12-49440205-C-T.
Other names: short protein forms C1474Y.
Identifiers: ClinVar variation 158770 (VCV000158770.18), dbSNP rs587783718, ClinGen allele CA271644.
Genomic context (GRCh38, chr12:49,046,422, plus strand): 5'-CTATTCTGCCATTCACAGTGGAAGCCAGGGGAAGCAGCCCCACACTGCATACAGGACACA[C>T]ACCTGATAGGAGCAGGAAAACAGAGCTTTAGCACCCAACCTACCCGAAGTACCCAGAAGT-3'
Protein context (NP_003473.3, residues 1464-1484): VPKGGWKCKW[Cys1474Tyr]VSCMQCGAAS